The following is an entry in ClinVar:

NM_001128840.3(CACNA1D):c.3871C>T (p.Pro1291Ser)

Gene: CACNA1D (calcium voltage-gated channel subunit alpha1 D; plus strand). Cytogenetic location: 3p21.1.
Variant type: single nucleotide variant.
Coding change: c.3871C>T on transcript NM_001128840.3 (MANE Select); coding-DNA position 3871, C replaced by T.
Protein change: p.Pro1291Ser; replaces proline 1291 with serine.
Molecular consequence: missense variant. On other transcripts: intron variant (1).
Genome position (GRCh38, 1-based): chr3:53,769,973, C>T. VCF-style: chr3-53769973-C-T. GRCh37 (hg19) VCF-style: chr3-53804000-C-T.
Other names: c.3931C>T, p.Pro1311Ser (NM_000720.4); c.3871-451C>T (NM_001128839.3); short protein forms P1291S, P1311S.
Identifiers: ClinVar variation 1720080 (VCV001720080.5), dbSNP rs1342030660, ClinGen allele CA353257208.
Genomic context (GRCh38, chr3:53,769,973, plus strand): 5'-CTGGAACCATTGACTCCTTCCTGGTTCATTAATCCATTTTCAATCTTTGATTTCTTAAAG[C>T]CAACTGAAAGTGAAAATGTCCCTGTCCCAACTGCTACACCTGGGGTAAGATCAGTGACTA-3'
Protein context (NP_001122312.1, residues 1281-1301): IIDVALSEAD[Pro1291Ser]TESENVPVPT

ClinVar aggregate classification (germline): Uncertain significance (1 of 4 stars; one submission).

Submission:

Labcorp Genetics (formerly Invitae), Labcorp
Classification: Uncertain significance. Last evaluated: 2022-07-29. Review status: criteria provided, single submitter. Criteria: Invitae Variant Classification Sherloc (09022015). Collection method: clinical testing. Allele origin: germline.
Comment: This sequence change replaces proline, which is neutral and non-polar, with serine, which is neutral and polar, at codon 1311 of the CACNA1D protein (p.Pro1311Ser). This variant is not present in population databases (gnomAD no frequency). In summary, the available evidence is currently insufficient to determine the role of this variant in disease. Therefore, it has been classified as a Variant of Uncertain Significance. Algorithms developed to predict the effect of missense changes on protein structure and function (SIFT, PolyPhen-2, Align-GVGD) all suggest that this variant is likely to be tolerated. This variant has not been reported in the literature in individuals affected with CACNA1D-related conditions.